The following is an entry in ClinVar:

NM_201384.3(PLEC):c.5122C>T (p.Arg1708Cys)

Gene: PLEC (plectin; minus strand). Cytogenetic location: 8q24.3.
Variant type: single nucleotide variant.
Coding change: c.5122C>T on transcript NM_201384.3 (MANE Select); coding-DNA position 5122, C replaced by T.
Protein change: p.Arg1708Cys; replaces arginine 1708 with cysteine.
Molecular consequence: missense variant.
Genome position (GRCh38, 1-based): chr8:143,924,807, G>A on the plus strand (C>T on the coding strand, the complement: PLEC is on the minus strand). VCF-style: chr8-143924807-G-A. GRCh37 (hg19) VCF-style: chr8-144998975-G-A.
Other names: c.5203C>T (NM_000445.3); c.5203C>T, p.Arg1735Cys (NM_000445.5); c.5080C>T, p.Arg1694Cys (NM_201378.4); c.5056C>T, p.Arg1686Cys (NM_201379.3); c.5533C>T, p.Arg1845Cys (NM_201380.4); c.5026C>T, p.Arg1676Cys (NM_201381.3); c.5122C>T, p.Arg1708Cys (NM_201382.4); c.5134C>T, p.Arg1712Cys (NM_201383.3); short protein forms R1735C, R1676C, R1686C, R1708C, R1845C, R1712C, R1694C.
Identifiers: ClinVar variation 1480667 (VCV001480667.9), dbSNP rs1455649324, ClinGen allele CA372549460.

ClinVar aggregate classification (germline): Uncertain significance. Review status: criteria provided, multiple submitters, no conflicts (2 of 4 stars). 2 submissions from 2 submitters: Uncertain significance (2). Last evaluated 2025-11-13.

Conditions:
Autosomal recessive limb-girdle muscular dystrophy type 2Q (LGMDR17). Also called: MUSCULAR DYSTROPHY, LIMB-GIRDLE, AUTOSOMAL RECESSIVE 17. Identifiers: Orphanet 254361, MedGen C3150989, MONDO:0013390, OMIM 613723.
Epidermolysis bullosa simplex 5B, with muscular dystrophy (EBS5B). Also called: EPIDERMOLYSIS BULLOSA SIMPLEX AND LIMB-GIRDLE MUSCULAR DYSTROPHY; Epidermolysis bullosa simplex with muscular dystrophy. Identifiers: Orphanet 257, MedGen C2931072, MONDO:0009181, OMIM 226670.
Epidermolysis bullosa simplex, Ogna type (EBS5A). Also called: Pidermolysis bullosa simplex 5A, Ogna type; EPIDERMOLYSIS BULLOSA SIMPLEX 5A, OGNA TYPE. Identifiers: Orphanet 79401, MedGen C0432317, MONDO:0007555, OMIM 131950.
Epidermolysis bullosa simplex with nail dystrophy (EBS5D). Identifiers: MedGen C4225309, MONDO:0014661, OMIM 616487.
Epidermolysis bullosa simplex 5C, with pyloric atresia (EBS5C). Also called: Epidermolysis bullosa simplex with pyloric atresia; PLEC1-Related Epidermolysis Bullosa with Pyloric Atresia; PLEC-Related Epidermolysis Bullosa with Pyloric Atresia. Identifiers: Orphanet 158684, MedGen C2677349, MONDO:0012807, OMIM 612138.
Inborn genetic diseases. Identifiers: MedGen C0950123, MeSH D030342.

Allele frequency attached by ClinVar (database versions not stated): gnomAD exomes 0.00002; gnomAD 0.00003; TOPMed 0.00003.
gnomAD v4.1: 27 of 1,539,242 alleles (0.0018%); highest among the groups gnomAD compares: East Asian, 0.0049%; no homozygotes.

Submissions (2):

Ambry Genetics
Classification: Uncertain significance for Inborn genetic diseases. Last evaluated: 2025-11-13. Review status: criteria provided, single submitter. Criteria: Ambry Variant Classification Scheme 2023. Collection method: clinical testing. Allele origin: germline.

Labcorp Genetics (formerly Invitae), Labcorp
Classification: Uncertain significance for Autosomal recessive limb-girdle muscular dystrophy type 2Q; Epidermolysis bullosa simplex, Ogna type; Epidermolysis bullosa simplex with nail dystrophy; Epidermolysis bullosa simplex 5C, with pyloric atresia; Epidermolysis bullosa simplex 5B, with muscular dystrophy. Last evaluated: 2025-09-22. Review status: criteria provided, single submitter. Criteria: Invitae Variant Classification Sherloc (09022015). Collection method: clinical testing. Allele origin: germline.
Comment: This sequence change replaces arginine, which is basic and polar, with cysteine, which is neutral and slightly polar, at codon 1735 of the PLEC protein (p.Arg1735Cys). The frequency data for this variant in the population databases is considered unreliable, as metrics indicate poor data quality at this position in the gnomAD database. This variant has not been reported in the literature in individuals affected with PLEC-related conditions. ClinVar contains an entry for this variant (Variation ID: 1480667). Experimental studies and prediction algorithms are not available or were not evaluated, and the functional significance of this variant is currently unknown. In summary, the available evidence is currently insufficient to determine the role of this variant in disease. Therefore, it has been classified as a Variant of Uncertain Significance.